The following is an entry in ClinVar:

NC_000007.13:g.(117243837_117246727)_(117254768_117267575)dup

Gene: CFTR (CF transmembrane conductance regulator; plus strand). Cytogenetic location: 7q31.2.
Variant type: Duplication.
Identifiers: ClinVar variation 3063610 (VCV003063610.1).

ClinVar aggregate classification (germline): Pathogenic (1 of 4 stars; one submission).

Conditions:
Cystic fibrosis (CF). Also called: MUCOVISCIDOSIS. Identifiers: Orphanet 586, MedGen C0010674, MONDO:0009061, OMIM 219700. Disease mechanism: loss of function.

Submission:

Women's Health and Genetics/Laboratory Corporation of America, LabCorp
Classification: Pathogenic for Cystic fibrosis. Last evaluated: 2024-01-22. Review status: criteria provided, single submitter. Criteria: LabCorp Variant Classification Summary - May 2015. Collection method: clinical testing. Allele origin: germline.
Comment: Variant summary: The variant involves the duplication of exons 18-21 in the CFTR gene. A presumed nomenclature of c.(2908+1_2909-1)_(3468+1_3469-1)dup has been designated for the purposes of this classification. It is assumed to be a tandem duplication in direct orientation (Richardson_GIM_2018, Newman_AJHG_2015). This Copy Number Variant (CNV) is expected to alter the reading frame and predicted to result in a truncation or absence of the encoded protein due to nonsense mediated decay (NMD). The variant was absent in 21694 control chromosomes (gnomAD, structural variants dataset). c.(2908+1_2909-1)_(3468+1_3469-1)dup has been reported in the literature in at least one individual affected with Cystic Fibrosis who had the pathogenic F508del variant in trans (Niemyjski_2021). These data suggest the variant is very likely to be associated with disease. To our knowledge, no experimental evidence demonstrating an impact on protein function has been reported. The following publication has been ascertained in the context of this evaluation (PMID: 33118704). ClinVar contains an entry for this variant (Variation ID: 831516). Based on the evidence outlined above, the variant was classified as pathogenic.

Literature cited by the submitters: PubMed 33118704.